The following is an entry in ClinVar:

NM_003872.3(NRP2):c.1126C>G (p.Arg376Gly)

Gene: NRP2 (neuropilin 2; plus strand). Cytogenetic location: 2q33.3.
Variant type: single nucleotide variant.
Coding change: c.1126C>G on transcript NM_003872.3 (MANE Select); coding-DNA position 1126, C replaced by G.
Protein change: p.Arg376Gly; replaces arginine 376 with glycine.
Molecular consequence: missense variant.
Genome position (GRCh38, 1-based): chr2:205,728,026, C>G. VCF-style: chr2-205728026-C-G. GRCh37 (hg19) VCF-style: chr2-206592750-C-G.
Other names: c.1126C>G, p.Arg376Gly (NM_018534.4, NM_201264.2, NM_201266.2 and 2 more transcripts); short protein forms R376G.
Identifiers: ClinVar variation 4994694 (VCV004994694.1).

ClinVar aggregate classification (germline): Uncertain significance (1 of 4 stars; one submission).

Conditions:
NRP2-related disorder. Also called: NRP2-related condition.

Submission:

PreventionGenetics, part of Exact Sciences
Classification: Uncertain significance for NRP2-related condition. Last evaluated: 2026-06-26. Review status: criteria provided, single submitter. Criteria: ACMG Guidelines, 2015. Collection method: clinical testing. Allele origin: germline.
Comment: The NRP2 c.1126C>G variant is predicted to result in the amino acid substitution p.Arg376Gly. To our knowledge, this variant has not been reported in the literature or in a large population database (gnomAD), indicating this variant is rare. At this time, the clinical significance of this variant is uncertain due to the absence of conclusive functional and genetic evidence.